The following is an entry in ClinVar:

ClinVar aggregate classification (germline): Uncertain significance (1 of 4 stars; one submission).

Allele frequency attached by ClinVar (database versions not stated): gnomAD exomes below 0.00001.
gnomAD v4.1: 1 of 1,613,748 alleles (0.000062%); highest among the groups gnomAD compares: Non-Finnish European, 0.000085%; no homozygotes.

Submission:

GeneDx
Classification: Uncertain significance. Last evaluated: 2022-11-01. Review status: criteria provided, single submitter. Criteria: GeneDx Variant Classification Process June 2021. Collection method: clinical testing. Allele origin: germline. Affected: yes.
Comment: Not observed at significant frequency in large population cohorts (gnomAD); In silico analysis supports that this missense variant does not alter protein structure/function; Has not been previously published as pathogenic or benign to our knowledge

NM_005245.4(FAT1):c.1999C>T (p.His667Tyr)

Gene: FAT1 (FAT atypical cadherin 1; minus strand). Cytogenetic location: 4q35.2.
Variant type: single nucleotide variant.
Coding change: c.1999C>T on transcript NM_005245.4 (MANE Select); coding-DNA position 1999, C replaced by T.
Protein change: p.His667Tyr; replaces histidine 667 with tyrosine.
Molecular consequence: missense variant.
Genome position (GRCh38, 1-based): chr4:186,707,829, G>A on the plus strand (C>T on the coding strand, the complement: FAT1 is on the minus strand). VCF-style: chr4-186707829-G-A. GRCh37 (hg19) VCF-style: chr4-187628983-G-A.
Other names: short protein forms H667Y.
Identifiers: ClinVar variation 1723620 (VCV001723620.2), dbSNP rs2126691672, ClinGen allele CA358987939.